The following is an entry in ClinVar:

ClinVar aggregate classification (germline): Likely benign. Review status: reviewed by expert panel (3 of 4 stars). 2 submissions from 2 submitters: Likely benign (1). 1 of the submissions does not count toward it. Last evaluated 2025-03-26.

Conditions:
Hereditary thrombocytopenia and hematologic cancer predisposition syndrome. Identifiers: Orphanet 71290, MedGen CN281654, MONDO:0011071.

gnomAD v4.1: 4 of 1,597,750 alleles (0.00025%); highest among the groups gnomAD compares: East Asian, 0.0022%; no homozygotes.

Submissions (2):

ClinGen Myeloid Malignancy Variant Curation Expert Panel
Classification: Likely benign for Hereditary thrombocytopenia and hematologic cancer predisposition syndrome. Last evaluated: 2025-03-26. Review status: reviewed by expert panel. Criteria: ClinGen MyeloMalig ACMG Specifications v2. Collection method: curation. Allele origin: germline. Inheritance: Autosomal dominant inheritance.
Comment: NM_001754.5(RUNX1):c.98-30A>G is an intronic variant which has a SpliceAI score ≤ 0.20 (0.03) (BP4). This variant has a SpliceAI score ≤ 0.20 (0.03) and evolutionary conservation prediction algorithms predict the site as not being conserved (PhyloP score ≤ 2.0 (0.09)) (BP7). This variant is completely absent from all population databases with at least 20x coverage for RUNX1 (PM2_Supporting). In summary, this variant meets criteria to be classified as likely benign. ACMG/AMP criteria applied, as specified by the Myeloid Malignancy Variant Curation Expert Panel for RUNX1: PM2_supporting, BP4, BP7.

Women's Health and Genetics/Laboratory Corporation of America, LabCorp
Classification: Likely benign. Last evaluated: 2025-01-22. Review status: criteria provided, single submitter. Criteria: LabCorp Variant Classification Summary - May 2015. Collection method: clinical testing. Allele origin: germline. Not counted in ClinVar's aggregate classification.

NM_001754.5(RUNX1):c.98-30A>G

Gene: RUNX1 (RUNX family transcription factor 1; minus strand). Cytogenetic location: 21q22.12.
Variant type: single nucleotide variant.
Coding change: c.98-30A>G on transcript NM_001754.5 (MANE Select); 30 bases into the intron before coding-DNA position 98, A replaced by G.
Molecular consequence: intron variant. On other transcripts: 5 prime UTR variant (2).
Genome position (GRCh38, 1-based): chr21:34,887,126, T>C on the plus strand (A>G on the coding strand, the complement: RUNX1 is on the minus strand). VCF-style: chr21-34887126-T-C. GRCh37 (hg19) VCF-style: chr21-36259423-T-C.
Other names: c.-14A>G (NM_001001890.3, NM_001122607.2).
Identifiers: ClinVar variation 3769482 (VCV003769482.3).